The following is an entry in ClinVar:

ClinVar aggregate classification (germline): Pathogenic (1 of 4 stars; one submission).

Conditions:
Telangiectasia, hereditary hemorrhagic, type 1 (HHT1). Also called: Osler Weber Rendu syndrome type 1; ENG-Related Hereditary Hemorrhagic Telangiectasia. Identifiers: Orphanet 774, MedGen C4551861, MONDO:0008535, OMIM 187300. Disease mechanism: loss of function.

Submission:

NIHR Bioresource Rare Diseases, University of Cambridge
Classification: Pathogenic for Telangiectasia, hereditary hemorrhagic, type 1. Last evaluated: 2018-01-01. Review status: criteria provided, single submitter. Criteria: ACMG Guidelines, 2015. Collection method: research. Allele origin: unknown. Affected: yes. Observed: 1 variant allele.
Comment: PVS1+PM2+PP4

Literature cited by the submitters: PubMed 32573726.

NM_001114753.3(ENG):c.667dup (p.Val223fs)

Gene: ENG (endoglin; minus strand). Cytogenetic location: 9q34.11.
Variant type: Duplication.
Coding change: c.667dup on transcript NM_001114753.3 (MANE Select); coding-DNA position 667, one base duplicated (G; older notation c.667dupG).
Protein change: p.Val223fs; shifts the reading frame from valine 223.
Molecular consequence: frameshift variant.
Genome position (GRCh38, 1-based): chr9:127,825,717, C duplicated on the plus strand (G on the coding strand, the reverse complement: ENG is on the minus strand); the first of 3 consecutive C bases (chr9:127,825,717-127,825,719); duplicating any one gives the same sequence. VCF-style (leftmost placement, unchanged base first): chr9-127825716-A-AC. GRCh37 (hg19) VCF-style: chr9-130587995-A-AC.
Other names: c.665dup, p.Val223Glyfs (NM_000118.4, NM_001406715.1); c.121dup, p.Val41fs (NM_001278138.2); c.667_668insG (NM_000118.3); short protein forms V223fs, V41fs.
Identifiers: ClinVar variation 982476 (VCV000982476.3), dbSNP rs1588582666, ClinGen allele CA1139661215.